The following is an entry in ClinVar:

ClinVar aggregate classification (germline): Pathogenic. Review status: reviewed by expert panel (3 of 4 stars). 13 submissions from 13 submitters: Pathogenic (1). 12 of the submissions do not count toward it. Last evaluated 2016-09-08.

Conditions:
Hereditary cancer-predisposing syndrome. Also called: Hereditary Cancer Syndrome; Hereditary neoplastic syndrome; Neoplastic Syndromes, Hereditary; Tumor predisposition. Identifiers: Orphanet 140162, MedGen C0027672, MeSH D009386, MONDO:0015356.
Hereditary breast ovarian cancer syndrome. Also called: BRCA1- and BRCA2-Associated Hereditary Breast and Ovarian Cancer; Hereditary breast and ovarian cancer syndrome; Hereditary breast and ovarian cancer syndrome (HBOC); Breast and ovarian cancer; Hereditary breast and/or ovarian cancer syndrome; Hereditary breast and ovarian cancer. Identifiers: Orphanet 145, MedGen C0677776, MeSH D061325, MONDO:0003582. Disease mechanism: loss of function.
Breast-ovarian cancer, familial, susceptibility to, 1 (BROVCA1). Also called: BRCA1 Hereditary Breast and Ovarian Cancer; OVARIAN CANCER, SUSCEPTIBILITY TO. Identifiers: Orphanet 145, MedGen C2676676, MONDO:0011450, OMIM 604370. Disease mechanism: loss of function.

Submissions (13):

Evidence-based Network for the Interpretation of Germline Mutant Alleles (ENIGMA)
Classification: Pathogenic for Breast-ovarian cancer, familial, susceptibility to, 1. Last evaluated: 2016-09-08. Review status: reviewed by expert panel. Criteria: ENIGMA BRCA1/2 Classification Criteria (2015). Collection method: curation. Allele origin: germline.
Comment: Variant allele predicted to encode a truncated non-functional protein.

Dasa
Classification: Pathogenic for Breast-ovarian cancer, familial, susceptibility to, 1. Last evaluated: 2026-03-09. Review status: criteria provided, single submitter. Criteria: DASA Assertion Criteria. Collection method: clinical testing. Allele origin: germline. Not counted in ClinVar's aggregate classification.
Comment: NM_007294.4(BRCA1):c.4612C>T (p.Gln1538*) introduces a premature termination codon predicted to result in loss of normal protein function. Loss-of-function is an established mechanism of disease for this gene. The variant is present at low frequency in population datasets. Based on the available data, this variant is classified as pathogenic.

Labcorp Genetics (formerly Invitae), Labcorp
Classification: Pathogenic for Hereditary breast ovarian cancer syndrome. Last evaluated: 2025-11-27. Review status: criteria provided, single submitter. Criteria: Invitae Variant Classification Sherloc (09022015). Collection method: clinical testing. Allele origin: germline. Not counted in ClinVar's aggregate classification.
Comment: This sequence change creates a premature translational stop signal (p.Gln1538*) in the BRCA1 gene. It is expected to result in an absent or disrupted protein product. Loss-of-function variants in BRCA1 are known to be pathogenic (PMID: 20104584). This variant is not present in population databases (gnomAD no frequency). This premature translational stop signal has been observed in individual(s) with clinical features of hereditary breast and ovarian cancer syndrome (PMID: 9452076, 11920621, 25151137, 29446198, 29470806). This variant is also known as 4731C>T. ClinVar contains an entry for this variant (Variation ID: 55239). RNA analysis performed to evaluate the impact of this premature translational stop signal on mRNA splicing indicates it does not significantly alter splicing (internal data). For these reasons, this variant has been classified as Pathogenic.

Ambry Genetics
Classification: Pathogenic for Hereditary cancer-predisposing syndrome. Last evaluated: 2025-03-13. Review status: criteria provided, single submitter. Criteria: Ambry Variant Classification Scheme 2023. Collection method: clinical testing. Allele origin: germline. Not counted in ClinVar's aggregate classification.
Comment: The p.Q1538* pathogenic mutation (also known as c.4612C>T), located in coding exon 13 of the BRCA1 gene, results from a C to T substitution at nucleotide position 4612. This changes the amino acid from a glutamine to a stop codon within coding exon 13. This variant has been reported in multiple individuals and families with hereditary breast and ovarian cancer (HBOC) (Tartaglini E et al. Hum. Mutat., 1998;Suppl 1:S163-6; De Leon Matsuda ML et al. Int. J. Cancer, 2002 Apr;98:596-603; Young SR et al. BMC Cancer, 2009 Mar;9:86; Guan Y et al. Fam Cancer, 2015 Mar;14:9-18; Heramb C et al. Hered Cancer Clin Pract, 2018 Jan;16:3; Rebbeck TR et al. Hum Mutat, 2018 05;39:593-620; Singh J et al. Breast Cancer Res Treat, 2018 Jul;170:189-196; Carter NJ et al. Gynecol Oncol, 2018 12;151:481-488; Wang N et al. Chin J Cancer Res, 2020 Apr;32:149-162). Of note, this alteration is also designated as 4731C>T in published literature. In addition to the clinical data presented in the literature, this alteration is expected to result in loss of function by premature protein truncation or nonsense-mediated mRNA decay. As such, this alteration is interpreted as a disease-causing mutation.

Revvity Omics, Revvity
Classification: Pathogenic. Last evaluated: 2024-06-14. Review status: criteria provided, single submitter. Criteria: ACMG Guidelines, 2015. Collection method: clinical testing. Allele origin: germline. Not counted in ClinVar's aggregate classification.

Baylor Genetics
Classification: Pathogenic for Breast-ovarian cancer, familial, susceptibility to, 1. Last evaluated: 2023-10-22. Review status: criteria provided, single submitter. Criteria: ACMG Guidelines, 2015. Collection method: clinical testing. Allele origin: unknown. Not counted in ClinVar's aggregate classification.

GeneDx
Classification: Pathogenic. Last evaluated: 2023-09-28. Review status: criteria provided, single submitter. Criteria: GeneDx Variant Classification Process June 2021. Collection method: clinical testing. Allele origin: germline. Affected: yes. Not counted in ClinVar's aggregate classification.
Comment: Nonsense variant predicted to result in protein truncation or nonsense mediated decay in a gene for which loss of function is a known mechanism of disease; Truncating variants in this gene are considered pathogenic by a well-established clinical consortium and/or database; Not observed at significant frequency in large population cohorts (gnomAD); Also known as 4731C>T; This variant is associated with the following publications: (PMID: 21720365, 9452076, 11920621, 25525159, 26187060, 24578176, 25151137, 27221827, 19298662, 29339979, 30787465, 29470806, 31214711, 32410793, 29446198, 34917121, 30720243, 31825140, 30322717, 33948387)

Women's Health and Genetics/Laboratory Corporation of America, LabCorp
Classification: Pathogenic for Hereditary breast and ovarian cancer syndrome. Last evaluated: 2020-02-12. Review status: criteria provided, single submitter. Criteria: LabCorp Variant Classification Summary - May 2015. Collection method: clinical testing. Allele origin: germline. Not counted in ClinVar's aggregate classification.
Comment: Variant summary: BRCA1 c.4612C>T (p.Gln1538X) results in a premature termination codon, predicted to cause a truncation of the encoded protein or absence of the protein due to nonsense mediated decay, which are commonly known mechanisms for disease. The variant was absent in 251362 control chromosomes (gnomAD). c.4612C>T has been reported in the literature in multiple individuals affected with Hereditary Breast and Ovarian Cancer (e.g. Rebbeck_2018, DeLeonMatsuda_2002, Singh_2018). These data indicate that the variant is very likely to be associated with disease. To our knowledge, no experimental evidence demonstrating an impact on protein function has been reported. Six ClinVar submitters (evaluation after 2014) including one expert panel (ENIGMA) cite the variant as pathogenic. Based on the evidence outlined above, the variant was classified as pathogenic.

Color Diagnostics, LLC DBA Color Health
Classification: Pathogenic for Hereditary cancer-predisposing syndrome. Last evaluated: 2020-01-15. Review status: criteria provided, single submitter. Criteria: ACMG Guidelines, 2015. Collection method: clinical testing. Allele origin: germline. Not counted in ClinVar's aggregate classification.
Comment: This variant changes 1 nucleotide in exon 14 of the BRCA1 gene, creating a premature translation stop signal. This variant is expected to result in an absent or non-functional protein product. This variant has not been identified in the general population by the Genome Aggregation Database (gnomAD). Loss of BRCA1 function is a known mechanism of disease. Based on the available evidence, this variant is classified as Pathogenic.

Quest Diagnostics Nichols Institute San Juan Capistrano
Classification: Pathogenic. Last evaluated: 2019-05-02. Review status: criteria provided, single submitter. Criteria: Quest Diagnostics criteria. Collection method: clinical testing. Allele origin: unknown. Not counted in ClinVar's aggregate classification.
Comment: This variant causes the premature termination of BRCA1 protein synthesis. It has been reported in in affected individuals with breast and/or ovarian cancer in the published literature (PMIDs: 9452076 (1998), 11920621 (2002), 25151137 (2015), 29339979 (2018) and 29470806 (2018)). Based on the available information, this variant is classified as pathogenic.

Consortium of Investigators of Modifiers of BRCA1/2 (CIMBA), c/o University of Cambridge
Classification: Pathogenic for Breast-ovarian cancer, familial, susceptibility to, 1. Last evaluated: 2015-10-02. Review status: criteria provided, single submitter. Criteria: CIMBA Mutation Classification guidelines May 2016. Collection method: clinical testing. Allele origin: germline. Not counted in ClinVar's aggregate classification.

Sharing Clinical Reports Project (SCRP)
Classification: Pathogenic for Breast-ovarian cancer, familial 1. Last evaluated: 2012-05-01. Review status: no assertion criteria provided. Collection method: clinical testing. Allele origin: germline. Not counted in ClinVar's aggregate classification.

Breast Cancer Information Core (BIC) (BRCA1)
Classification: Pathogenic for Breast-ovarian cancer, familial 1. Last evaluated: 2002-05-29. Review status: no assertion criteria provided. Collection method: clinical testing. Allele origin: germline. Affected: yes. Observed: 3 variant alleles. Not counted in ClinVar's aggregate classification.

Literature cited by the submitters: PubMed 20104584 (cited by Labcorp Genetics (formerly Invitae), Labcorp); PubMed 9452076 (cited by 3 submitters); PubMed 11920621 (cited by 4 submitters); PubMed 25151137 (cited by 3 submitters); PubMed 29446198 (cited by 3 submitters); PubMed 29470806 (cited by 4 submitters); PubMed 19298662 (cited by Ambry Genetics); PubMed 29339979 (cited by Ambry Genetics and Quest Diagnostics Nichols Institute San Juan Capistrano); PubMed 30322717 (cited by Ambry Genetics); PubMed 31214711 (cited by Ambry Genetics); PubMed 32410793 (cited by Ambry Genetics); PubMed 25525159 (cited by Quest Diagnostics Nichols Institute San Juan Capistrano).

NM_007294.4(BRCA1):c.4612C>T (p.Gln1538Ter)

Gene: BRCA1 (BRCA1 DNA repair associated; minus strand). Cytogenetic location: 17q21.31.
Variant type: single nucleotide variant.
Coding change: c.4612C>T on transcript NM_007294.4 (MANE Select); coding-DNA position 4612, C replaced by T.
Protein change: p.Gln1538Ter; replaces glutamine 1538 with a stop codon.
Molecular consequence: nonsense. On other transcripts: non-coding transcript variant (1).
Genome position (GRCh38, 1-based): chr17:43,074,394, G>A on the plus strand (C>T on the coding strand, the complement: BRCA1 is on the minus strand). VCF-style: chr17-43074394-G-A. GRCh37 (hg19) VCF-style: chr17-41226411-G-A.
Other names: 4731C>T; c.1369C>T, p.Gln457Ter (NM_001407970.1, NM_001407971.1); c.1366C>T, p.Gln456Ter (NM_001407972.1); c.1303C>T, p.Gln435Ter (NM_001407973.1, NM_001407974.1, NM_001407975.1 and 3 more transcripts); c.1300C>T, p.Gln434Ter (NM_001407979.1, NM_001407992.1, NM_001407993.1 and 13 more transcripts); c.1297C>T, p.Gln433Ter (NM_001408392.1, NM_001408396.1, NM_001408397.1 and 8 more transcripts); c.1177C>T, p.Gln393Ter (NM_001408433.1, NM_001408434.1, NM_001408435.1 and 10 more transcripts); c.1162C>T, p.Gln388Ter (NM_001408453.1, NM_001408454.1, NM_001408455.1 and 3 more transcripts); and 69 more; short protein forms Q1538*, Q1491*, Q1559*, Q434*, Q1241*, Q1242*, Q1449*, Q1466*.
Identifiers: ClinVar variation 55239 (VCV000055239.30), dbSNP rs80356992, ClinGen allele CA002928.